The following is an entry in ClinVar:

ClinVar aggregate classification (germline): Uncertain significance (1 of 4 stars; one submission).

Submission:

GeneDx
Classification: Uncertain significance. Last evaluated: 2019-07-15. Review status: criteria provided, single submitter. Criteria: GeneDx Variant Classification Process June 2021. Collection method: clinical testing. Allele origin: germline. Affected: yes.
Comment: Not observed in large population cohorts (Lek et al., 2016); In silico analysis, which includes protein predictors and evolutionary conservation, supports a deleterious effect; Has not been previously published as pathogenic or benign to our knowledge

NM_003072.5(SMARCA4):c.2329_2335delinsGTGGCCT (p.Leu777_Asp779delinsValAlaTyr)

Gene: SMARCA4 (SWI/SNF related, matrix associated, actin dependent regulator of chromatin, subfamily a, member 4; plus strand). Cytogenetic location: 19p13.2.
Variant type: Indel.
Coding change: c.2329_2335delinsGTGGCCT on transcript NM_003072.5 (MANE Select); coding-DNA positions 2329 to 2335, CTGGCCG replaced by GTGGCCT.
Protein change: p.Leu777_Asp779delinsValAlaTyr.
Molecular consequence: missense variant. On other transcripts: non-coding transcript variant (1).
Genome position (GRCh38, 1-based): chr19:11,013,003-11,013,009, CTGGCCG replaced by GTGGCCT. VCF-style: chr19-11013003-CTGGCCG-GTGGCCT. GRCh37 (hg19) VCF-style: chr19-11123679-CTGGCCG-GTGGCCT.
Other names: c.2329_2335delinsGTGGCCT, p.Leu777_Asp779delinsValAlaTyr (NM_001128844.3, NM_001128845.2, NM_001128846.2 and 5 more transcripts).
Identifiers: ClinVar variation 1307300 (VCV001307300.2), dbSNP rs2146278315, ClinGen allele CA2573054698.